The following is an entry in ClinVar:

NM_004006.3(DMD):c.3327T>A (p.Asn1109Lys)

Gene: DMD (dystrophin; minus strand). Cytogenetic location: Xp21.1.
Variant type: single nucleotide variant.
Coding change: c.3327T>A on transcript NM_004006.3 (MANE Select); coding-DNA position 3327, T replaced by A.
Protein change: p.Asn1109Lys; replaces asparagine 1109 with lysine.
Molecular consequence: missense variant.
Genome position (GRCh38, 1-based): chrX:32,463,544, A>T on the plus strand (T>A on the coding strand, the complement: DMD is on the minus strand). VCF-style: chrX-32463544-A-T. GRCh37 (hg19) VCF-style: chrX-32481661-A-T.
Other names: c.3303T>A, p.Asn1101Lys (NM_000109.4); c.3315T>A, p.Asn1105Lys (NM_004009.3); c.2958T>A, p.Asn986Lys (NM_004010.3); short protein forms N1101K, N1105K, N1109K, N986K.
Identifiers: ClinVar variation 1709412 (VCV001709412.2), dbSNP rs775591219, ClinGen allele CA412664524.

ClinVar aggregate classification (germline): Uncertain significance (1 of 4 stars; one submission).

Conditions:
Becker muscular dystrophy (BMD). Also called: MUSCULAR DYSTROPHY, PSEUDOHYPERTROPHIC PROGRESSIVE, BECKER TYPE; Becker Muscular Dystrophy (BMD). Identifiers: Orphanet 98895, MedGen C0917713, MONDO:0010311, OMIM 300376.

Submission:

MGZ Medical Genetics Center
Classification: Uncertain significance for Becker muscular dystrophy. Last evaluated: 2022-06-20. Review status: criteria provided, single submitter. Criteria: ACMG Guidelines, 2015. Collection method: clinical testing. Allele origin: germline. Affected: yes. Observed: 1 variant allele.
Comment: ACMG criteria applied: PM2_SUP